The following continues an entry in ClinVar:

NM_007294.4(BRCA1):c.5165C>T (p.Ser1722Phe)

Gene: BRCA1. ClinVar aggregate classification (germline): Conflicting classifications of pathogenicity. Pathogenic (6); Likely pathogenic (10); Uncertain significance (1).

Submissions 7 to 21 of 22:

Color Diagnostics, LLC DBA Color Health
Classification: Pathogenic for Hereditary cancer-predisposing syndrome. Last evaluated: 2024-07-05. Review status: criteria provided, single submitter. Criteria: ACMG Guidelines, 2015. Collection method: clinical testing. Allele origin: germline.
Comment: This missense variant replaces serine with phenylalanine at codon 1722 in the BRCT1 domain of the BRCA1 protein. Computational prediction suggests that this variant may have deleterious impact on protein structure and function (internally defined REVEL score threshold >= 0.7, PMID: 27666373). Multiple functional studies have consistently shown that this variant results in the loss of transcription activation function of BRCA1 protein (PMID: 12496477, 15172985, 20516115, 30765603). This variant has been reported in at least five unrelated individuals affected with ovarian cancer (PMID: 28888541, 30093976, 33526602; Color internal data), three unrelated individuals affected with breast cancer (PMID: 30264118; Color internal data) and in suspected hereditary breast and ovarian cancer families (PMID: 29446198, 33010199, 33206196). In one family, this variant has been detected in three siblings affected with serous ovarian carcinoma (PMID: 33526602). This variant also has been reported as disease-causing based on the health history of 44 carriers compared to matched individuals with benign and deleterious variants (PMID: 25085752). This variant has not been identified in the general population by the Genome Aggregation Database (gnomAD). Based on the available evidence, this variant is classified as Pathogenic.

Genetic Services Laboratory, University of Chicago
Classification: Likely pathogenic. Last evaluated: 2024-06-13. Review status: criteria provided, single submitter. Criteria: ACMG Guidelines, 2015. Collection method: clinical testing. Allele origin: germline. Affected: yes.
Comment: DNA sequence analysis of the BRCA1 gene demonstrated a sequence change, c.5165C>T, in exon 18 that results in an amino acid change, p.Ser1722Phe. The p.Ser1722Phe change affects a highly conserved amino acid residue located in a domain of the BRCA1 protein that is known to be functional. The p.Ser1722Phe substitution appears to be deleterious using several in-silico pathogenicity prediction tools (SIFT, PolyPhen2, Align GVGD, REVEL). This sequence change has been described in the literature in several individuals with breast and/or ovarian cancers (PMID: 22476429, 28888541, 30093976, 35264596). Functional studies have indicated that this variant results in the loss of transcription activation function of BRCA1 protein (PMID: 12496477, 15172985, 20516115, 30765603). This sequence change has been described in the gnomAD database in one individual (dbSNP rs80357104). The p.Ser1722Phe amino acid change occurs in a region of the BRCA1 gene where other missense sequence changes have been described in individuals with BRCA1-related disorders. These collective evidences indicate that this sequence change is likely pathogenic.

Baylor Genetics
Classification: Likely pathogenic for Breast-ovarian cancer, familial, susceptibility to, 1. Last evaluated: 2024-03-27. Review status: criteria provided, single submitter. Criteria: ACMG Guidelines, 2015. Collection method: clinical testing. Allele origin: unknown.

All of Us Research Program, National Institutes of Health
Classification: Pathogenic for Breast-ovarian cancer, familial, susceptibility to, 1. Last evaluated: 2023-04-10. Review status: criteria provided, single submitter. Criteria: ACMG Guidelines, 2015. Collection method: clinical testing. Allele origin: germline. Inheritance: Autosomal dominant inheritance. Observed: 1 variant allele, 1 heterozygote.
Comment: This missense variant replaces serine with phenylalanine at codon 1722 in the BRCT1 domain of the BRCA1 protein. Computational prediction suggests that this variant may have deleterious impact on protein structure and function (internally defined REVEL score threshold >= 0.7, PMID: 27666373). Multiple functional studies have consistently shown that this variant results in the loss of transcription activation function of BRCA1 protein (PMID: 12496477, 15172985, 20516115, 30765603). This variant has been reported in at least six individuals affected with hereditary breast and/or ovarian cancer (PMID: 22476429, 33526602; Color internal data). An external laboratory has concluded this variant to be Pathogenic based on analysis of personal and family history of 44 probands (PMID: 25085752). This variant has not been identified in the general population by the Genome Aggregation Database (gnomAD). Based on the available evidence, this variant is classified as Pathogenic.

This study involves interpretation of variants in research participants for the purpose of population health screening. Participant phenotype was not available at the time of variant classification. Additional details can be found in publication PMID: 35346344, PMCID: PMC8962531

Fulgent Genetics
Classification: Likely pathogenic for Familial cancer of breast; Breast-ovarian cancer, familial, susceptibility to, 1; Pancreatic cancer, susceptibility to, 4; Fanconi anemia, complementation group S. Last evaluated: 2021-07-14. Review status: criteria provided, single submitter. Criteria: ACMG Guidelines, 2015. Collection method: clinical testing. Allele origin: unknown.

Human Genome Sequencing Center Clinical Lab, Baylor College of Medicine
Classification: Pathogenic for hereditary breast and ovarian cancer syndrome. Last evaluated: 2021-05-12. Review status: criteria provided, single submitter. Criteria: ACMG Guidelines, 2015. Collection method: clinical testing. Allele origin: unknown.
Comment: The c.5165C>T (p.Ser1722Phe) variant in the BRCA1 gene has been reported in two patients in the Breast Cancer Information Core database (accession number 10462 and 10461). The variant has also been reported in additional patients by clinical laboratories in ClinVar. Functional assays showed a strong deleterious effect [PMID 20516115]. This variant was not observed in the ExAC database. Serine at amino acid position 1722 of the BRCA1 protein is conserved in mammals. Although not validated for clinical use, computer-based algorithms SIFT and Polyphen2 predict this p.Ser1722Phe change to be deleterious. This variant thus classified as likely pathogenic.

Quest Diagnostics Nichols Institute San Juan Capistrano
Classification: Pathogenic. Last evaluated: 2021-03-29. Review status: criteria provided, single submitter. Criteria: Quest Diagnostics criteria. Collection method: clinical testing. Allele origin: unknown.
Comment: This variant has been reported in individuals and families affected with breast/ovarian cancer (PMID: 16267036 (2005), 22476429 (2012), 29446198 (2018), 30093976 (2018), 30264118 (2018), 31481248 (2019), 33010199 (2020)) and described as pathogenic based on a multifactorial likelihood algorithm in the published literature (PMID: 25085752 (2014)). In addition, functional studies describe the p.Ser1722Phe variant as having a deleterious effect on BRCA1 protein function (PMID: 12496477 (2002), 15172985 (2004), 20516115 (2010)). Based on the available information, this variant is classified as pathogenic.

Laboratory for Molecular Medicine, Mass General Brigham Personalized Medicine
Classification: Likely pathogenic for Hereditary breast ovarian cancer syndrome. Last evaluated: 2020-01-23. Review status: criteria provided, single submitter. Criteria: ACMG Guidelines, 2015. Collection method: clinical testing. Allele origin: germline. Inheritance: Autosomal dominant inheritance.
Comment: The p.Ser1722Phe variant in BRCA1 has been reported in at least 3 individual with breast cancer (Lu 2012, Breast Information Core (BIC) database). In addition, this variant has also been reported in ClinVar (Variation ID 55441) and was absent from large population databases. Computational prediction tools and conservation analysis suggest that this variant may impact the protein, though this information is not predictive enough to determine pathogenicity. In vitro functional studies support an impact on protein function (Lee 2010, Carvalho 2002 ). In addition, this variant lies within a binding motif in BRCA1. In summary, although additional studies are required to fully establish its clinical significance, this variant meets criteria to be classified as likely pathogenic for autosomal dominant Hereditary breast and ovarian cancer. PM1, PM2, PP3, PS3_Supporting, PS4_Supporting

Mendelics
Classification: Likely pathogenic for Breast-ovarian cancer, familial, susceptibility to, 1. Last evaluated: 2019-05-28. Review status: criteria provided, single submitter. Criteria: Mendelics Assertion Criteria 2017. Collection method: clinical testing. Allele origin: unknown.

Human Genome Sequencing Center Clinical Lab, Baylor College of Medicine
Classification: Likely pathogenic for Breast-ovarian cancer, familial, susceptibility to, 1. Last evaluated: 2017-05-25. Review status: criteria provided, single submitter. Criteria: ACMG Guidelines, 2015. Collection method: clinical testing. Allele origin: germline.
Comment: the same text as in the submission from Human Genome Sequencing Center Clinical Lab, Baylor College of Medicine above.

Consortium of Investigators of Modifiers of BRCA1/2 (CIMBA), c/o University of Cambridge
Classification: Pathogenic for Breast-ovarian cancer, familial, susceptibility to, 1. Last evaluated: 2015-10-02. Review status: criteria provided, single submitter. Criteria: CIMBA Mutation Classification guidelines May 2016. Collection method: clinical testing. Allele origin: germline.

Counsyl
Classification: Likely pathogenic for Breast-ovarian cancer, familial, susceptibility to, 1. Last evaluated: 2017-04-19. Review status: no assertion criteria provided. Collection method: clinical testing. Allele origin: unknown. Not counted in ClinVar's aggregate classification.

Sharing Clinical Reports Project (SCRP)
Classification: Pathogenic for Breast-ovarian cancer, familial 1. Last evaluated: 2012-08-17. Review status: no assertion criteria provided. Collection method: clinical testing. Allele origin: germline. Not counted in ClinVar's aggregate classification.

Breast Cancer Information Core (BIC) (BRCA1)
Classification: Uncertain significance for Breast-ovarian cancer, familial 1. Last evaluated: 2004-02-20. Review status: no assertion criteria provided. Collection method: clinical testing. Allele origin: germline. Affected: yes. Observed: 2 variant alleles. Not counted in ClinVar's aggregate classification.

Brotman Baty Institute, University of Washington
No classification provided (evidence only). Condition: Breast-ovarian cancer, familial 1. Review status: no classification provided. Collection method: in vitro. Allele origin: not applicable. Functional consequence: function_uncertain_variant. Not counted in ClinVar's aggregate classification.
ClinVar note: "not provided" was previously submitted as the classification for the variant. However, the classification appeared to be based only on an observation of functional data so it was converted to no classification on 2025-07-30.